The following is an entry in ClinVar:

ClinVar aggregate classification (germline): Likely benign (1 of 4 stars; one submission).

Allele frequency attached by ClinVar (database versions not stated): gnomAD exomes below 0.00001; TOPMed below 0.00001; gnomAD 0.00001.
gnomAD v4.1: 6 of 1,613,164 alleles (0.00037%); highest among the groups gnomAD compares: East Asian, 0.0022%; no homozygotes.

Submission:

CeGaT Center for Human Genetics Tuebingen
Classification: Likely benign. Last evaluated: 2023-02-01. Review status: criteria provided, single submitter. Criteria: CeGaT Center For Human Genetics Tuebingen Variant Classification Criteria Version 2. Collection method: clinical testing. Allele origin: germline. Affected: yes. Observed: 1 variant allele.
Comment: ABCA13: BP4, BP7

NM_152701.5(ABCA13):c.7821T>C (p.Tyr2607=)

Gene: ABCA13 (ATP binding cassette subfamily A member 13; plus strand). Cytogenetic location: 7p12.3.
Variant type: single nucleotide variant.
Coding change: c.7821T>C on transcript NM_152701.5 (MANE Select); coding-DNA position 7821, T replaced by C.
Protein change: p.Tyr2607=; no amino-acid change (tyrosine 2607 retained).
Molecular consequence: synonymous variant.
Genome position (GRCh38, 1-based): chr7:48,279,015, T>C. VCF-style: chr7-48279015-T-C. GRCh37 (hg19) VCF-style: chr7-48318612-T-C.
Identifiers: ClinVar variation 2657478 (VCV002657478.24), dbSNP rs1182639526, ClinGen allele CA455159803.